The following is an entry in ClinVar:

NM_144498.4(OSBPL2):c.724G>A (p.Val242Ile)

Gene: OSBPL2 (oxysterol binding protein like 2; plus strand). Cytogenetic location: 20q13.33.
Variant type: single nucleotide variant.
Coding change: c.724G>A on transcript NM_144498.4 (MANE Select); coding-DNA position 724, G replaced by A.
Protein change: p.Val242Ile; replaces valine 242 with isoleucine.
Molecular consequence: missense variant.
Genome position (GRCh38, 1-based): chr20:62,281,107, G>A. VCF-style: chr20-62281107-G-A. GRCh37 (hg19) VCF-style: chr20-60856163-G-A.
Other names: c.448G>A, p.Val150Ile (NM_001278649.3, NM_001363878.2); c.688G>A, p.Val230Ile (NM_014835.5); short protein forms V150I, V230I, V242I.
Identifiers: ClinVar variation 3777608 (VCV003777608.2).

ClinVar aggregate classification (germline): Uncertain significance. Review status: criteria provided, multiple submitters, no conflicts (2 of 4 stars). 2 submissions from 2 submitters: Uncertain significance (2). Last evaluated 2026-09-17.

Conditions:
OSBPL2-related disorder. Also called: OSBPL2-related condition.

gnomAD v4.1: 60 of 1,614,090 alleles (0.0037%); highest among the groups gnomAD compares: Non-Finnish European, 0.0047%; no homozygotes.

Submissions (2):

PreventionGenetics, part of Exact Sciences
Classification: Uncertain significance for OSBPL2-related condition. Last evaluated: 2026-09-17. Review status: criteria provided, single submitter. Criteria: ACMG Guidelines, 2015. Collection method: clinical testing. Allele origin: germline.
Comment: The OSBPL2 c.724G>A variant is predicted to result in the amino acid substitution p.Val242Ile. To our knowledge, this variant has not been reported in the literature. This variant is reported in 0.0040% of alleles in individuals of African descent in gnomAD. At this time, the clinical significance of this variant is uncertain due to the absence of conclusive functional and genetic evidence.

GeneDx
Classification: Uncertain significance. Last evaluated: 2024-10-11. Review status: criteria provided, single submitter. Criteria: GeneDx Variant Classification Process June 2021. Collection method: clinical testing. Allele origin: germline. Affected: yes.
Comment: In silico analysis indicates that this missense variant does not alter protein structure/function; Has not been previously published as pathogenic or benign to our knowledge